The following is an entry in ClinVar:

ClinVar aggregate classification (germline): Uncertain significance (1 of 4 stars; one submission).

Allele frequency attached by ClinVar (database versions not stated): gnomAD exomes below 0.00001.
gnomAD v4.1: 7 of 1,604,690 alleles (0.00044%); highest among the groups gnomAD compares: East Asian, 0.011%; no homozygotes.

Submission:

Women's Health and Genetics/Laboratory Corporation of America, LabCorp
Classification: Uncertain significance. Last evaluated: 2019-11-25. Review status: criteria provided, single submitter. Criteria: LabCorp Variant Classification Summary - May 2015. Collection method: clinical testing. Allele origin: germline.
Comment: Variant summary: MYLK2 c.436T>C (p.Phe146Leu) results in a non-conservative amino acid change in the encoded protein sequence. Three of five in-silico tools predict a benign effect of the variant on protein function. The variant was absent in 241338 control chromosomes (gnomAD). The available data on variant occurrences in the general population are insufficient to allow any conclusion about variant significance. To our knowledge, no occurrence of c.436T>C in individuals affected with Cardiomyopathy and no experimental evidence demonstrating its impact on protein function have been reported. No clinical diagnostic laboratories have submitted clinical-significance assessments for this variant to ClinVar after 2014. Based on the evidence outlined above, the variant was classified as uncertain significance.

NM_033118.4(MYLK2):c.436T>C (p.Phe146Leu)

Gene: MYLK2 (myosin light chain kinase 2; plus strand). Cytogenetic location: 20q11.21.
Variant type: single nucleotide variant.
Coding change: c.436T>C on transcript NM_033118.4 (MANE Select); coding-DNA position 436, T replaced by C.
Protein change: p.Phe146Leu; replaces phenylalanine 146 with leucine.
Molecular consequence: missense variant.
Genome position (GRCh38, 1-based): chr20:31,820,509, T>C. VCF-style: chr20-31820509-T-C. GRCh37 (hg19) VCF-style: chr20-30408312-T-C.
Other names: short protein forms F146L.
Identifiers: ClinVar variation 928925 (VCV000928925.1), dbSNP rs2062247462, ClinGen allele CA408525591.